The following is an entry in ClinVar:

NM_000093.5(COL5A1):c.551A>G (p.Lys184Arg)

Gene: COL5A1 (collagen type V alpha 1 chain; plus strand). Cytogenetic location: 9q34.3.
Variant type: single nucleotide variant.
Coding change: c.551A>G on transcript NM_000093.5 (MANE Select); coding-DNA position 551, A replaced by G.
Protein change: p.Lys184Arg; replaces lysine 184 with arginine.
Molecular consequence: missense variant.
Genome position (GRCh38, 1-based): chr9:134,701,230, A>G. VCF-style: chr9-134701230-A-G. GRCh37 (hg19) VCF-style: chr9-137593076-A-G.
Other names: c.551A>G, p.Lys184Arg (NM_001278074.1); short protein forms K184R.
Identifiers: ClinVar variation 1471345 (VCV001471345.8), dbSNP rs1833662587, ClinGen allele CA375443323.
Genomic context (GRCh38, chr9:134,701,230, plus strand): 5'-GGTGGCACAGAATTGCTCTCAGCGTCCACAAGAAAAATGTCACCTTGATCCTCGACTGTA[A>G]AAAGAAGACCACCAAATTCCTCGACCGCAGCGACCACCCCATGATCGACATCAATGGCAT-3'
Protein context (NP_000084.3, residues 174-194): KKNVTLILDC[Lys184Arg]KKTTKFLDRS

ClinVar aggregate classification (germline): Uncertain significance (1 of 4 stars; one submission).

Conditions:
Ehlers-Danlos syndrome, classic type, 1 (EDSCL1). Also called: EHLERS-DANLOS SYNDROME, GRAVIS TYPE; EHLERS-DANLOS SYNDROME, SEVERE CLASSIC TYPE; Ehlers-Danlos syndrome, type 1; Ehlers-Danlos Syndrome, Classic Type, COL5A1-Related; EDS I. Identifiers: MedGen C0268335, MONDO:0019567, OMIM 130000.

Allele frequency attached by ClinVar (database versions not stated): TOPMed below 0.00001; gnomAD 0.00001.
gnomAD v4.1: 1 of 1,613,826 alleles (0.000062%); highest among the groups gnomAD compares: Non-Finnish European, 0.000085%; no homozygotes.

Submission:

Labcorp Genetics (formerly Invitae), Labcorp
Classification: Uncertain significance for Ehlers-Danlos syndrome, classic type, 1. Last evaluated: 2025-11-18. Review status: criteria provided, single submitter. Criteria: Invitae Variant Classification Sherloc (09022015). Collection method: clinical testing. Allele origin: germline.
Comment: This sequence change replaces lysine, which is basic and polar, with arginine, which is basic and polar, at codon 184 of the COL5A1 protein (p.Lys184Arg). This variant is not present in population databases (gnomAD no frequency). This variant has not been reported in the literature in individuals affected with COL5A1-related conditions. ClinVar contains an entry for this variant (Variation ID: 1471345). Invitae Evidence Modeling of protein sequence and biophysical properties (such as structural, functional, and spatial information, amino acid conservation, physicochemical variation, residue mobility, and thermodynamic stability) indicates that this missense variant is not expected to disrupt COL5A1 protein function with a negative predictive value of 95%. In summary, the available evidence is currently insufficient to determine the role of this variant in disease. Therefore, it has been classified as a Variant of Uncertain Significance.